The following is an entry in ClinVar:

ClinVar aggregate classification (germline): Likely benign. Review status: criteria provided, single submitter (1 of 4 stars). 2 submissions from 2 submitters: Likely benign (1). 1 of the submissions does not count toward it. Last evaluated 2024-04-16.

Conditions:
Emery-Dreifuss muscular dystrophy 5, autosomal dominant (EDMD5). Also called: EMERY-DREIFUSS MUSCULAR DYSTROPHY 5. Identifiers: Orphanet 261, MedGen C2751805, MONDO:0013072, OMIM 612999.
SYNE2-related disorder. Also called: SYNE2-related condition.

gnomAD v4.1: 22 of 1,613,852 alleles (0.0014%); highest among the groups gnomAD compares: Non-Finnish European, 0.0019%; no homozygotes.

Submissions (2):

Labcorp Genetics (formerly Invitae), Labcorp
Classification: Likely benign for Emery-Dreifuss muscular dystrophy 5, autosomal dominant. Last evaluated: 2024-04-16. Review status: criteria provided, single submitter. Criteria: Invitae Variant Classification Sherloc (09022015). Collection method: clinical testing. Allele origin: germline.

PreventionGenetics, part of Exact Sciences
Classification: Likely benign for SYNE2-related condition. Last evaluated: 2019-03-12. Review status: no assertion criteria provided. Collection method: clinical testing. Allele origin: germline. Not counted in ClinVar's aggregate classification.
Comment: This variant is classified as likely benign based on ACMG/AMP sequence variant interpretation guidelines (Richards et al. 2015 PMID: 25741868, with internal and published modifications).

NM_182914.3(SYNE2):c.19968T>C (p.Ser6656=)

Gene: SYNE2 (spectrin repeat containing nuclear envelope protein 2; plus strand). Cytogenetic location: 14q23.2.
Variant type: single nucleotide variant.
Coding change: c.19968T>C on transcript NM_182914.3 (MANE Select); coding-DNA position 19968, T replaced by C.
Protein change: p.Ser6656=; no amino-acid change (serine 6656 retained).
Molecular consequence: synonymous variant.
Genome position (GRCh38, 1-based): chr14:64,220,544, T>C. VCF-style: chr14-64220544-T-C. GRCh37 (hg19) VCF-style: chr14-64687262-T-C.
Other names: c.19899T>C, p.Ser6633= (NM_015180.6); c.492T>C, p.Ser164= (NM_182910.2); c.870T>C, p.Ser290= (NM_182913.4).
Identifiers: ClinVar variation 3352989 (VCV003352989.3).